The following is an entry in ClinVar:

ClinVar aggregate classification (germline): Likely benign. Review status: criteria provided, single submitter (1 of 4 stars). 3 submissions from 3 submitters: Likely benign (1). 2 of the submissions do not count toward it. Last evaluated 2023-06-06.

Conditions:
VPS13B-related disorder. Also called: VPS13B-related condition.
Cohen syndrome (COH1). Also called: PEPPER SYNDROME; Cutis verticis gyrata, retinitis pigmentosa, and sensorineural deafness. Identifiers: Orphanet 193, MedGen C0265223, MONDO:0008999, OMIM 216550.

gnomAD v4.1: 1 of 1,612,932 alleles (0.000062%); highest among the groups gnomAD compares: Admixed American, 0.0017%; no homozygotes.

Submissions (3):

Labcorp Genetics (formerly Invitae), Labcorp
Classification: Likely benign for Cohen syndrome. Last evaluated: 2023-06-06. Review status: criteria provided, single submitter. Criteria: Invitae Variant Classification Sherloc (09022015). Collection method: clinical testing. Allele origin: germline.

Natera, Inc.
Classification: Uncertain significance for Cohen syndrome. Last evaluated: 2025-05-12. Review status: no assertion criteria provided. Collection method: clinical testing. Allele origin: germline. Not counted in ClinVar's aggregate classification.

PreventionGenetics, part of Exact Sciences
Classification: Likely benign for VPS13B-related condition. Last evaluated: 2024-07-10. Review status: no assertion criteria provided. Collection method: clinical testing. Allele origin: germline. Not counted in ClinVar's aggregate classification.
Comment: This variant is classified as likely benign based on ACMG/AMP sequence variant interpretation guidelines (Richards et al. 2015 PMID: 25741868, with internal and published modifications).

NM_152564.5(VPS13B):c.2292C>T (p.Ser764=)

Gene: VPS13B (vacuolar protein sorting 13 homolog B; plus strand). Cytogenetic location: 8q22.2.
Variant type: single nucleotide variant.
Coding change: c.2292C>T on transcript NM_152564.5 (MANE Select); coding-DNA position 2292, C replaced by T.
Protein change: p.Ser764=; no amino-acid change (serine 764 retained).
Molecular consequence: synonymous variant.
Genome position (GRCh38, 1-based): chr8:99,170,122, C>T. VCF-style: chr8-99170122-C-T. GRCh37 (hg19) VCF-style: chr8-100182350-C-T.
Other names: c.2292C>T, p.Ser764= (NM_015243.3, NM_017890.5).
Identifiers: ClinVar variation 2780957 (VCV002780957.5), dbSNP rs1812241934, ClinGen allele CA462424708.
Genomic context (GRCh38, chr8:99,170,122, plus strand): 5'-GACGTCTTTGGATTGCAGTGGATCTTACTGCTTACCTGTACCAGTTATTCCCTCTTTCAG[C>T]ACTGCTCTTTATGGGAAACTTCTGAAACTCCCCACATGCTGGTAAGTCTTACATGTTAAA-3'
Protein context (NP_689777.3, residues 754-774): CLPVPVIPSF[Ser764=]TALYGKLLKL